The following is an entry in ClinVar:

NM_024529.5(CDC73):c.1529T>C (p.Val510Ala)

Gene: CDC73 (cell division cycle 73; plus strand). Cytogenetic location: 1q31.2.
Variant type: single nucleotide variant.
Coding change: c.1529T>C on transcript NM_024529.5 (MANE Select); coding-DNA position 1529, T replaced by C.
Protein change: p.Val510Ala; replaces valine 510 with alanine.
Molecular consequence: missense variant.
Genome position (GRCh38, 1-based): chr1:193,249,841, T>C. VCF-style: chr1-193249841-T-C. GRCh37 (hg19) VCF-style: chr1-193218971-T-C.
Other names: short protein forms V510A.
Identifiers: ClinVar variation 1507239 (VCV001507239.8), dbSNP rs2102073560, ClinGen allele CA344078592.

ClinVar aggregate classification (germline): Uncertain significance (1 of 4 stars; one submission).

Conditions:
Parathyroid carcinoma (PRTC). Also called: CDC73-Related Parathyroid Carcinoma; Parathyroid gland carcinoma. Identifiers: Orphanet 143, MedGen C0687150, MONDO:0012004, OMIM 608266, HP:0006780.

Submission:

Labcorp Genetics (formerly Invitae), Labcorp
Classification: Uncertain significance for Parathyroid carcinoma. Last evaluated: 2021-02-03. Review status: criteria provided, single submitter. Criteria: Invitae Variant Classification Sherloc (09022015). Collection method: clinical testing. Allele origin: germline.
Comment: Algorithms developed to predict the effect of missense changes on protein structure and function (SIFT, PolyPhen-2, Align-GVGD) all suggest that this variant is likely to be tolerated, but these predictions have not been confirmed by published functional studies and their clinical significance is uncertain. In summary, the available evidence is currently insufficient to determine the role of this variant in disease. Therefore, it has been classified as a Variant of Uncertain Significance. This sequence change replaces valine with alanine at codon 510 of the CDC73 protein (p.Val510Ala). The valine residue is highly conserved and there is a small physicochemical difference between valine and alanine. This variant is not present in population databases (ExAC no frequency). This variant has not been reported in the literature in individuals with CDC73-related conditions.